The following is an entry in ClinVar:

NM_000038.6(APC):c.6935C>G (p.Pro2312Arg)

Gene: APC (APC regulator of Wnt signaling pathway; plus strand). Cytogenetic location: 5q22.2.
Variant type: single nucleotide variant.
Coding change: c.6935C>G on transcript NM_000038.6 (MANE Select); coding-DNA position 6935, C replaced by G.
Protein change: p.Pro2312Arg; replaces proline 2312 with arginine.
Molecular consequence: missense variant.
Genome position (GRCh38, 1-based): chr5:112,842,529, C>G. VCF-style: chr5-112842529-C-G. GRCh37 (hg19) VCF-style: chr5-112178226-C-G.
Other names: c.6935C>G (NM_000038.5); c.6935C>G, p.Pro2312Arg (NM_001127510.3, NM_001354895.2, NM_001407450.1); c.6881C>G, p.Pro2294Arg (NM_001127511.3); c.6989C>G, p.Pro2330Arg (NM_001354896.2, NM_001407447.1, NM_001407448.1 and 1 more transcripts); c.6965C>G, p.Pro2322Arg (NM_001354897.2); c.6860C>G, p.Pro2287Arg (NM_001354898.2); c.6851C>G, p.Pro2284Arg (NM_001354899.2); c.6812C>G, p.Pro2271Arg (NM_001354900.2); and 12 more; short protein forms P2211R, P2284R, P2302R, P2229R, P2287R, P1928R, P2183R, P2271R.
Identifiers: ClinVar variation 1953444 (VCV001953444.6), dbSNP rs2149976636, ClinGen allele CA16036457.

ClinVar aggregate classification (germline): Uncertain significance. Review status: criteria provided, multiple submitters, no conflicts (2 of 4 stars). 2 submissions from 2 submitters: Uncertain significance (2). Last evaluated 2026-07-06.

Conditions:
Hereditary cancer-predisposing syndrome. Also called: Hereditary neoplastic syndrome; Neoplastic Syndromes, Hereditary; Tumor predisposition; Hereditary Cancer Syndrome. Identifiers: Orphanet 140162, MedGen C0027672, MeSH D009386, MONDO:0015356.
Familial adenomatous polyposis 1 (FAP1). Also called: FAMILIAL ADENOMATOUS POLYPOSIS 1, ATTENUATED; POLYPOSIS, ADENOMATOUS INTESTINAL. Identifiers: MedGen C2713442, MONDO:0021056, OMIM 175100. Disease mechanism: loss of function.

Submissions (2):

Ambry Genetics
Classification: Uncertain significance for Hereditary cancer-predisposing syndrome. Last evaluated: 2026-07-06. Review status: criteria provided, single submitter. Criteria: Ambry Variant Classification Scheme 2023. Collection method: clinical testing. Allele origin: germline.
Comment: The p.P2312R variant (also known as c.6935C>G), located in coding exon 15 of the APC gene, results from a C to G substitution at nucleotide position 6935. The proline at codon 2312 is replaced by arginine, an amino acid with dissimilar properties. This amino acid position is conserved. In addition, in silico predictors for this gene do not accurately predict pathogenicity. Based on the available evidence, the clinical significance of this variant remains unclear.

Labcorp Genetics (formerly Invitae), Labcorp
Classification: Uncertain significance for Familial adenomatous polyposis 1. Last evaluated: 2022-03-13. Review status: criteria provided, single submitter. Criteria: Invitae Variant Classification Sherloc (09022015). Collection method: clinical testing. Allele origin: germline.
Comment: In summary, the available evidence is currently insufficient to determine the role of this variant in disease. Therefore, it has been classified as a Variant of Uncertain Significance. Algorithms developed to predict the effect of missense changes on protein structure and function are either unavailable or do not agree on the potential impact of this missense change (SIFT: "Deleterious"; PolyPhen-2: "Probably Damaging"; Align-GVGD: "Class C0"). This variant has not been reported in the literature in individuals affected with APC-related conditions. This variant is not present in population databases (gnomAD no frequency). This sequence change replaces proline, which is neutral and non-polar, with arginine, which is basic and polar, at codon 2312 of the APC protein (p.Pro2312Arg).